The following is an entry in ClinVar:

ClinVar aggregate classification (germline): Uncertain significance (1 of 4 stars; one submission).

Conditions:
Hereditary cancer-predisposing syndrome. Also called: Tumor predisposition; Hereditary Cancer Syndrome; Hereditary neoplastic syndrome; Neoplastic Syndromes, Hereditary. Identifiers: Orphanet 140162, MedGen C0027672, MeSH D009386, MONDO:0015356.

Submission:

Ambry Genetics
Classification: Uncertain significance for Hereditary cancer-predisposing syndrome. Last evaluated: 2024-03-28. Review status: criteria provided, single submitter. Criteria: Ambry Variant Classification Scheme 2023. Collection method: clinical testing. Allele origin: germline.
Comment: The p.V928L variant (also known as c.2782G>T), located in coding exon 8 of the PALB2 gene, results from a G to T substitution at nucleotide position 2782. The valine at codon 928 is replaced by leucine, an amino acid with highly similar properties. This amino acid position is conserved. In addition, this alteration is predicted to be tolerated by in silico analysis. Based on the available evidence, the clinical significance of this alteration remains unclear.

NM_024675.4(PALB2):c.2782G>T (p.Val928Leu)

Gene: PALB2 (partner and localizer of BRCA2; minus strand). Cytogenetic location: 16p12.2.
Variant type: single nucleotide variant.
Coding change: c.2782G>T on transcript NM_024675.4 (MANE Select); coding-DNA position 2782, G replaced by T.
Protein change: p.Val928Leu; replaces valine 928 with leucine.
Molecular consequence: missense variant.
Genome position (GRCh38, 1-based): chr16:23,624,061, C>A on the plus strand (G>T on the coding strand, the complement: PALB2 is on the minus strand). VCF-style: chr16-23624061-C-A. GRCh37 (hg19) VCF-style: chr16-23635382-C-A.
Other names: c.2722G>T, p.Val908Leu (NM_001407296.1); c.2710G>T, p.Val904Leu (NM_001407297.1); c.2620G>T, p.Val874Leu (NM_001407298.1, NM_001407302.1); c.2782G>T, p.Val928Leu (NM_001407299.1, NM_001407300.1, NM_001407301.1); c.1897G>T, p.Val633Leu (NM_001407304.1, NM_001407305.1, NM_001407306.1 and 4 more transcripts); c.1735G>T, p.Val579Leu (NM_001407307.1); c.994G>T, p.Val332Leu (NM_001407312.1, NM_001407313.1); c.316G>T, p.Val106Leu (NM_001407314.1); short protein forms V106L, V332L, V904L, V633L, V908L, V579L, V874L, V928L.
Identifiers: ClinVar variation 3303990 (VCV003303990.1).
Genomic context (GRCh38, chr16:23,624,061, plus strand): 5'-TTACATACCTGATCTCTCTGATTTCCAAATTTCCCAAAGCTACACACACGAGATTATACA[C>A]ATCAGGCACTGGAACTATCTGTAATACTGGAACCTAAATAAAACAAAGCAGCCAAAAATT-3'
Protein context (NP_078951.2, residues 918-938): PVLQIVPVPD[Val928Leu]YNLVCVALGN